The following is an entry in ClinVar:

ClinVar aggregate classification (germline): Uncertain significance (1 of 4 stars; one submission).

Allele frequency attached by ClinVar (database versions not stated): gnomAD exomes 0.00001; TOPMed 0.00001; gnomAD 0.00001.
gnomAD v4.1: 10 of 1,611,860 alleles (0.00062%); highest among the groups gnomAD compares: Admixed American, 0.0017%; no homozygotes.

Submission:

Labcorp Genetics (formerly Invitae), Labcorp
Classification: Uncertain significance. Last evaluated: 2025-03-16. Review status: criteria provided, single submitter. Criteria: Invitae Variant Classification Sherloc (09022015). Collection method: clinical testing. Allele origin: germline.
Comment: This sequence change replaces glycine, which is neutral and non-polar, with glutamic acid, which is acidic and polar, at codon 420 of the TNNI3K protein (p.Gly420Glu). This variant is not present in population databases (gnomAD no frequency). This variant has not been reported in the literature in individuals affected with TNNI3K-related conditions. ClinVar contains an entry for this variant (Variation ID: 1972222). Invitae Evidence Modeling of protein sequence and biophysical properties (such as structural, functional, and spatial information, amino acid conservation, physicochemical variation, residue mobility, and thermodynamic stability) indicates that this missense variant is not expected to disrupt TNNI3K protein function with a negative predictive value of 80%. In summary, the available evidence is currently insufficient to determine the role of this variant in disease. Therefore, it has been classified as a Variant of Uncertain Significance.

NM_015978.3(TNNI3K):c.1259G>A (p.Gly420Glu)

Genes: FPGT-TNNI3K (FPGT-TNNI3K readthrough; plus strand), TNNI3K (TNNI3 interacting kinase; plus strand). Cytogenetic location: 1p31.1.
Variant type: single nucleotide variant.
Coding change: c.1259G>A on transcript NM_015978.3 (MANE Select); coding-DNA position 1259, G replaced by A.
Protein change: p.Gly420Glu; replaces glycine 420 with glutamic acid.
Molecular consequence: missense variant.
Genome position (GRCh38, 1-based): chr1:74,367,337, G>A. VCF-style: chr1-74367337-G-A. GRCh37 (hg19) VCF-style: chr1-74833021-G-A.
Other names: c.1562G>A, p.Gly521Glu (NM_001112808.3, NM_001199327.2); short protein forms G521E, G420E.
Identifiers: ClinVar variation 1972222 (VCV001972222.5), dbSNP rs1362303821, ClinGen allele CA340785549.